The following is an entry in ClinVar:

NM_000552.5(VWF):c.3943C>T (p.Arg1315Cys)

Gene: VWF (von Willebrand factor; minus strand). Cytogenetic location: 12p13.31.
Variant type: single nucleotide variant.
Coding change: c.3943C>T on transcript NM_000552.5 (MANE Select); coding-DNA position 3943, C replaced by T.
Protein change: p.Arg1315Cys; replaces arginine 1315 with cysteine.
Molecular consequence: missense variant.
Genome position (GRCh38, 1-based): chr12:6,019,475, G>A on the plus strand (C>T on the coding strand, the complement: VWF is on the minus strand). VCF-style: chr12-6019475-G-A. GRCh37 (hg19) VCF-style: chr12-6128641-G-A.
Other names: p.R1315C; c.3943C>T (NM_000552.4); short protein forms R1315C.
Identifiers: ClinVar variation 100310 (VCV000100310.20), dbSNP rs61749395, ClinGen allele CA228502.

ClinVar aggregate classification (germline): Pathogenic/Likely pathogenic. Review status: criteria provided, multiple submitters, no conflicts (2 of 4 stars). 13 submissions from 13 submitters: Pathogenic (7); Likely pathogenic (3). 3 of the submissions do not count toward it. Last evaluated 2026-08-21.

Conditions:
VWF-related disorder. Also called: VWF-related disorders; VWF-related condition.
Inborn genetic diseases. Identifiers: MedGen C0950123, MeSH D030342.
von Willebrand disease type 1 (VWD1). Also called: VON WILLEBRAND DISEASE, TYPE I; VWD, TYPE 1. Identifiers: Orphanet 166078, Orphanet 903, MedGen C1264039, MONDO:0008668, OMIM 193400. Inheritance: autosomal recessive or autosomal dominant.
von Willebrand disorder (VWD). Also called: von Willebrand Diseases; von Willebrand's disease; Von Willebrand disease (hereditary or acquired). Identifiers: MedGen C0042974, MeSH D014842, MONDO:0024574.
Hereditary von Willebrand disease. Identifiers: Orphanet 903, MedGen C5703318, MONDO:0019565. Inheritance: Autosomal recessive or Autosomal dominant.
von Willebrand disease type 2 (VWD2). Also called: VON WILLEBRAND DISEASE, TYPE II; VWD, TYPE 2; VON WILLEBRAND DISEASE, TYPE 2A/IIE; VON WILLEBRAND DISEASE, TYPE 2CB. Identifiers: Orphanet 166081, Orphanet 903, MedGen C1264040, MONDO:0013304, OMIM 613554.

gnomAD v4.1: 1 of 1,613,892 alleles (0.000062%); highest among the groups gnomAD compares: Non-Finnish European, 0.000085%; no homozygotes.

Submissions 1 to 7 of 13:

Ambry Genetics
Classification: Pathogenic for Inborn genetic diseases. Last evaluated: 2026-08-21. Review status: criteria provided, single submitter. Criteria: Ambry Variant Classification Scheme 2023. Collection method: clinical testing. Allele origin: germline.
Comment: The c.3943C>T (p.R1315C) alteration is located in exon 28 (coding exon 27) of the VWF gene. This alteration results from a C to T substitution at nucleotide position 3943, causing the arginine (R) at amino acid position 1315 to be replaced by a cysteine (C). for von Willebrand disease; however, its clinical significance for von Willebrand disease type 2B is uncertain This variant was not reported in population-based cohorts in the Genome Aggregation Database (gnomAD). This variant has been identified in the heterozygous state or in the homozygous state in individuals with features consistent with various forms of von Willebrand disease (Castaman, 2012; Yadegari, 2026; James, 2007; Elayaperumal, 2018; Goodeve, 2007; Ribba, 2001) and segregated with disease in at least one family (Ribba, 2001). Other variant(s) at the same codon, c.3944G>A (p.R1315H) and c.3944G>T (p.R1315L), have been identified in individual(s) with features consistent with various forms of von Willebrand disease (Goodeve, 2007; Castaman, 2012; Elayaperumal, 2018). This amino acid position is well conserved in available vertebrate species. This alteration is predicted to be deleterious by in silico analysis. Based on the available evidence, this alteration is classified as pathogenic.

PreventionGenetics, part of Exact Sciences
Classification: Likely pathogenic for VWF-related condition. Last evaluated: 2026-03-04. Review status: criteria provided, single submitter. Criteria: ACMG Guidelines, 2015. Collection method: clinical testing. Allele origin: germline.
Comment: The VWF c.3943C>T variant is predicted to result in the amino acid substitution p.Arg1315Cys. This variant has been reported in individuals with Von Willebrand Disease (VWD) of types 1, 2A, 2M or 3 (Casaña et al. 1998. PubMed ID: 9723578; James et al. 2007. PubMed ID: 17190853; Starke et al. 2013. PubMed ID: 23355534; Liang et al. 2017. PubMed ID: 28536718; Elayaperumal et al. 2018. PubMed ID: 29984440; Freitas et al. 2019. PubMed ID: 30817071). This variant has not been reported in a large population database (gnomAD), indicating this variant is rare. This variant is interpreted as likely pathogenic.

North West Genomic Laboratory Hub, Manchester University NHS Foundation Trust
Classification: Pathogenic for von Willebrand disease. Last evaluated: 2025-10-17. Review status: criteria provided, single submitter. Criteria: ACGS Best Practice Guidelines for Variant Classification in Rare Disease 2024. Collection method: clinical testing. Allele origin: germline. Affected: yes.
Comment: PP1_Str PP3_Supp PM5_Mod PS3_Supp PS4_Mod PM2_Mod PP4_Supp

Quest Diagnostics Nichols Institute San Juan Capistrano
Classification: Pathogenic. Last evaluated: 2025-03-10. Review status: criteria provided, single submitter. Criteria: Quest Diagnostics criteria. Collection method: clinical testing. Allele origin: unknown.
Comment: The VWF c.3943C>T (p.Arg1315Cys) variant has been reported in the heterozygous state in individuals with type 2M VWD (PMIDs: 38315875 (2024), 36299619 (2022), 35531770 (2022), 34758185 (2022), 31249928 (2018), 28536718 (2017), 27766062 (2016), 23355534 (2013), 21711445 (2011), 9723578 (1998)), type 2A VWD (PMIDs: 31249928 (2018), 11159522 (2001)), and type 1 VWD (PMIDs: 33556167 (2021), 17190853 (2007)). This variant in the compound heterozygous state has also been reported in individuals with type 2M (PMID: 27443694 (2016)), type 2A/2M (PMID: 34494337 (2021)), and type 3 VWD (PMID: 8088787 (1994)). One homozygous individual presented with type 3 VWD (PMID: 29984440 (2018)). Experimental studies indicate this variant has a deleterious effect on VWF protein function (PMID: 11159522 (2001)). This variant has not been reported in large, multi-ethnic general populations (Genome Aggregation Database). Based on the available information, this variant is classified as pathogenic.

Laboratory of Genetics, Children's Clinical University Hospital Latvia
Classification: Pathogenic. Last evaluated: 2025-02-16. Review status: criteria provided, single submitter. Criteria: ACMG Guidelines, 2015. Collection method: clinical testing. Allele origin: germline. Affected: yes.

Women's Health and Genetics/Laboratory Corporation of America, LabCorp
Classification: Pathogenic for von Willebrand disorder. Last evaluated: 2025-01-03. Review status: criteria provided, single submitter. Criteria: LabCorp Variant Classification Summary - May 2015. Collection method: clinical testing. Allele origin: germline.
Comment: Variant summary: VWF c.3943C>T (p.Arg1315Cys) results in a non-conservative amino acid change located in the von Willebrand factor, type A domain (IPR002035) of the encoded protein sequence. Five of five in-silico tools predict a damaging effect of the variant on protein function. The variant was absent in 250994 control chromosomes (gnomAD). c.3943C>T has been reported in the literature in individuals affected with Von Willebrand Disease (Casaa_1998, Goodeve_2006, Starke_2013). These data indicate that the variant is likely to be associated with disease. At least one publication reports experimental evidence evaluating an impact on protein function and this variant disrupted protein function (Starke_2013). The following publications have been ascertained in the context of this evaluation (PMID: 9723578, 18805962, 16985174, 23355534). ClinVar contains an entry for this variant (Variation ID: 100310). Based on the evidence outlined above, the variant was classified as pathogenic.

Mayo Clinic Laboratories, Mayo Clinic
Classification: Pathogenic. Last evaluated: 2024-12-12. Review status: criteria provided, single submitter. Criteria: ACMG Guidelines, 2015. Collection method: clinical testing. Allele origin: germline. Observed: 4 variant alleles.
Comment: PP1_strong, PP3, PP5, PM2_supporting, PS3, PS4_moderate